The following is an entry in ClinVar:

ClinVar aggregate classification (germline): Likely benign (1 of 4 stars; one submission).

Allele frequency attached by ClinVar (database versions not stated): TOPMed 0.00002; gnomAD 0.00004; ExAC 0.00006; 1000 Genomes Project 30x 0.00016.
gnomAD v4.1: 61 of 1,614,114 alleles (0.0038%); highest among the groups gnomAD compares: Non-Finnish European, 0.0049%; no homozygotes.

Submission:

CeGaT Center for Human Genetics Tuebingen
Classification: Likely benign. Last evaluated: 2022-12-01. Review status: criteria provided, single submitter. Criteria: CeGaT Center For Human Genetics Tuebingen Variant Classification Criteria Version 2. Collection method: clinical testing. Allele origin: germline. Affected: yes. Observed: 1 variant allele.
Comment: ZNF462: BP4, BP7

NM_021224.6(ZNF462):c.4749G>A (p.Pro1583=)

Gene: ZNF462 (zinc finger protein 462; plus strand). Cytogenetic location: 9q31.2.
Variant type: single nucleotide variant.
Coding change: c.4749G>A on transcript NM_021224.6 (MANE Select); coding-DNA position 4749, G replaced by A.
Protein change: p.Pro1583=; no amino-acid change (proline 1583 retained).
Molecular consequence: synonymous variant. On other transcripts: intron variant (1).
Genome position (GRCh38, 1-based): chr9:106,928,661, G>A. VCF-style: chr9-106928661-G-A. GRCh37 (hg19) VCF-style: chr9-109690942-G-A.
Other names: c.3252+1497G>A (NM_001347997.2).
Identifiers: ClinVar variation 2659383 (VCV002659383.24), dbSNP rs756538263, ClinGen allele CA5171873.
Genomic context (GRCh38, chr9:106,928,661, plus strand): 5'-GGAGGAGACGAGCAGGATCTTCAAGCAAGGGTATGGCGCCTACCGGTGCAAACTGTGTCC[G>A]TACACACACGGCACTTTGGAGAAACTAAAAATCCACTACGAGAAGTATCACAATCAGCCT-3'
Protein context (NP_067047.4, residues 1573-1593): GYGAYRCKLC[Pro1583=]YTHGTLEKLK